The following is an entry in ClinVar:

ClinVar aggregate classification (germline): Uncertain significance (1 of 4 stars; one submission).

Conditions:
Dilated cardiomyopathy 1O (CMD1O). Also called: CARDIOMYOPATHY, DILATED, WITH VENTRICULAR TACHYCARDIA. Identifiers: Orphanet 154, MedGen C1837839, MONDO:0012062, OMIM 608569.

Allele frequency attached by ClinVar (database versions not stated): ExAC 0.00001.

Submission:

Labcorp Genetics (formerly Invitae), Labcorp
Classification: Uncertain significance for Dilated cardiomyopathy 1O. Last evaluated: 2023-03-31. Review status: criteria provided, single submitter. Criteria: Invitae Variant Classification Sherloc (09022015). Collection method: clinical testing. Allele origin: germline.
Comment: In summary, the available evidence is currently insufficient to determine the role of this variant in disease. Therefore, it has been classified as a Variant of Uncertain Significance. Algorithms developed to predict the effect of sequence changes on RNA splicing suggest that this variant may disrupt the consensus splice site. Advanced modeling of protein sequence and biophysical properties (such as structural, functional, and spatial information, amino acid conservation, physicochemical variation, residue mobility, and thermodynamic stability) performed at Invitae indicates that this missense variant is expected to disrupt ABCC9 protein function. This variant has not been reported in the literature in individuals affected with ABCC9-related conditions. This variant is not present in population databases (gnomAD no frequency). This sequence change replaces threonine, which is neutral and polar, with lysine, which is basic and polar, at codon 400 of the ABCC9 protein (p.Thr400Lys).

NM_020297.4(ABCC9):c.1199C>A (p.Thr400Lys)

Gene: ABCC9 (ATP binding cassette subfamily C member 9; minus strand). Cytogenetic location: 12p12.1.
Variant type: single nucleotide variant.
Coding change: c.1199C>A on transcript NM_020297.4 (MANE Select); coding-DNA position 1199, C replaced by A.
Protein change: p.Thr400Lys; replaces threonine 400 with lysine.
Molecular consequence: missense variant.
Genome position (GRCh38, 1-based): chr12:21,910,278, G>T on the plus strand (C>A on the coding strand, the complement: ABCC9 is on the minus strand). VCF-style: chr12-21910278-G-T. GRCh37 (hg19) VCF-style: chr12-22063212-G-T.
Other names: c.1199C>A, p.Thr400Lys (NM_001377273.1, NM_005691.4); c.335C>A, p.Thr112Lys (NM_001377274.1); short protein forms T400K, T112K.
Identifiers: ClinVar variation 2851147 (VCV002851147.3), dbSNP rs749786076, ClinGen allele CA6481702.